The following is an entry in ClinVar:

ClinVar aggregate classification (germline): Likely benign (1 of 4 stars; one submission).

Conditions:
CPSF1-related disorder. Also called: CPSF1-related condition.

Submission:

PreventionGenetics, part of Exact Sciences
Classification: Likely benign for CPSF1-related condition. Last evaluated: 2025-01-15. Review status: criteria provided, single submitter. Criteria: ACMG Guidelines, 2015. Collection method: clinical testing. Allele origin: germline.
Comment: This variant is classified as likely benign based on ACMG/AMP sequence variant interpretation guidelines (Richards et al. 2015 PMID: 25741868, with internal and published modifications).

NM_013291.3(CPSF1):c.4197G>A (p.Leu1399=)

Gene: CPSF1 (cleavage and polyadenylation specific factor 1; minus strand). Cytogenetic location: 8q24.3.
Variant type: single nucleotide variant.
Coding change: c.4197G>A on transcript NM_013291.3 (MANE Select); coding-DNA position 4197, G replaced by A.
Protein change: p.Leu1399=; no amino-acid change (leucine 1399 retained).
Molecular consequence: synonymous variant.
Genome position (GRCh38, 1-based): chr8:144,393,539, C>T on the plus strand (G>A on the coding strand, the complement: CPSF1 is on the minus strand). VCF-style: chr8-144393539-C-T. GRCh37 (hg19) VCF-style: chr8-145618754-C-T.
Identifiers: ClinVar variation 4998043 (VCV004998043.1).